The following is an entry in ClinVar:

NM_022132.5(MCCC2):c.1378A>G (p.Arg460Gly)

Gene: MCCC2 (methylcrotonyl-CoA carboxylase subunit 2; plus strand). Cytogenetic location: 5q13.2.
Variant type: single nucleotide variant.
Coding change: c.1378A>G on transcript NM_022132.5 (MANE Select); coding-DNA position 1378, A replaced by G.
Protein change: p.Arg460Gly; replaces arginine 460 with glycine.
Molecular consequence: missense variant.
Genome position (GRCh38, 1-based): chr5:71,650,073, A>G. VCF-style: chr5-71650073-A-G. GRCh37 (hg19) VCF-style: chr5-70945900-A-G.
Other names: c.1264A>G, p.Arg422Gly (NM_001363147.1); c.1378A>G (NM_022132.4); short protein forms R422G, R460G.
Identifiers: ClinVar variation 3765880 (VCV003765880.5).
Genomic context (GRCh38, chr5:71,650,073, plus strand): 5'-GAAAATCTATGTTGTATATTGACTTAATTTGTTTATTCTTCCTTTTCTTCCCCCAGCCCA[A>G]GATTTCTCTACATTTGGCCAAATGCTCGTATCTCAGTGATGGGAGGAGAGCAGGCAGCCA-3'
Protein context (NP_071415.1, residues 450-470): YGMCGRAYSP[Arg460Gly]FLYIWPNARI

ClinVar aggregate classification (germline): Conflicting classifications of pathogenicity. Review status: criteria provided, conflicting classifications (1 of 4 stars). 4 submissions from 4 submitters: Likely pathogenic (2); Uncertain significance (2). Last evaluated 2025-05-29.

Conditions:
3-methylcrotonyl-CoA carboxylase 2 deficiency. Also called: METHYLCROTONYLGLYCINURIA, TYPE II; 3 alpha methylcrotonyl-CoA carboxylase 2 deficiency; 3 alpha methylcrotonylglycinuria 2; MCC 2 deficiency; Methylcrotonylglycinuria type 2. Identifiers: Orphanet 6, MedGen C1859499, MONDO:0008862, OMIM 210210.

gnomAD v4.1: 1 of 1,613,682 alleles (0.000062%); highest among the groups gnomAD compares: Non-Finnish European, 0.000085%; no homozygotes.

Submissions (4):

Women's Health and Genetics/Laboratory Corporation of America, LabCorp
Classification: Uncertain significance. Last evaluated: 2025-05-29. Review status: criteria provided, single submitter. Criteria: LabCorp Variant Classification Summary - May 2015. Collection method: clinical testing. Allele origin: germline.
Comment: Variant summary: MCCC2 c.1378A>G (p.Arg460Gly) results in a non-conservative amino acid change in the encoded protein sequence. Algorithms developed to predict the effect of missense changes on protein structure and function all suggest that this variant is likely to be disruptive. The variant was absent in 251342 control chromosomes. c.1378A>G has been observed in individual(s) affected with Methylcrotonyl-CoA Carboxylase Deficiency (example: Zhang_2024). These data indicate that the variant may be associated with disease. To our knowledge, no experimental evidence demonstrating an impact on protein function has been reported. The following publication has been ascertained in the context of this evaluation (PMID: 38582244). ClinVar contains an entry for this variant (Variation ID: 3765880). Based on the evidence outlined above, the variant was classified as VUS-possibly pathogenic.

Labcorp Genetics (formerly Invitae), Labcorp
Classification: Uncertain significance for 3-methylcrotonyl-CoA carboxylase 2 deficiency. Last evaluated: 2025-04-03. Review status: criteria provided, single submitter. Criteria: Invitae Variant Classification Sherloc (09022015). Collection method: clinical testing. Allele origin: germline.
Comment: This sequence change replaces arginine, which is basic and polar, with glycine, which is neutral and non-polar, at codon 460 of the MCCC2 protein (p.Arg460Gly). This variant is not present in population databases (gnomAD no frequency). This variant has not been reported in the literature in individuals affected with MCCC2-related conditions. ClinVar contains an entry for this variant (Variation ID: 3765880). Invitae Evidence Modeling of protein sequence and biophysical properties (such as structural, functional, and spatial information, amino acid conservation, physicochemical variation, residue mobility, and thermodynamic stability) indicates that this missense variant is expected to disrupt MCCC2 protein function with a positive predictive value of 80%. In summary, the available evidence is currently insufficient to determine the role of this variant in disease. Therefore, it has been classified as a Variant of Uncertain Significance.

GeneDx
Classification: Likely pathogenic. Last evaluated: 2025-03-12. Review status: criteria provided, single submitter. Criteria: GeneDx Variant Classification Process June 2021. Collection method: clinical testing. Allele origin: germline.
Comment: Reported as a homozygous variant in a newborn screened for inborn errors of metabolism; however, detailed clinical information was not provided (PMID: 38582244); Not observed at significant frequency in large population cohorts (gnomAD); In silico analysis suggests this variant may impact gene splicing. In the absence of RNA/functional studies, the actual effect of this sequence change is unknown; In silico analysis supports that this missense variant has a deleterious effect on protein structure/function; This variant is associated with the following publications: (PMID: 38582244)

Greenwood Genetic Center Diagnostic Laboratories, Greenwood Genetic Center
Classification: Likely pathogenic for 3-methylcrotonyl-CoA carboxylase 2 deficiency. Last evaluated: 2024-07-30. Review status: criteria provided, single submitter. Criteria: ACMG Guidelines, 2015. Collection method: clinical testing. Allele origin: germline. Affected: yes.
Comment: PM3, PM2, PP3, PS3_supportive

Literature cited by the submitters: PubMed 38582244 (cited by Women's Health and Genetics/Laboratory Corporation of America, LabCorp).